The following is an entry in ClinVar:

NM_006231.4(POLE):c.716A>G (p.His239Arg)

Gene: POLE (DNA polymerase epsilon, catalytic subunit; minus strand). Cytogenetic location: 12q24.33.
Variant type: single nucleotide variant.
Coding change: c.716A>G on transcript NM_006231.4 (MANE Select); coding-DNA position 716, A replaced by G.
Protein change: p.His239Arg; replaces histidine 239 with arginine.
Molecular consequence: missense variant.
Genome position (GRCh38, 1-based): chr12:132,677,582, T>C on the plus strand (A>G on the coding strand, the complement: POLE is on the minus strand). VCF-style: chr12-132677582-T-C. GRCh37 (hg19) VCF-style: chr12-133254168-T-C.
Other names: short protein forms H239R.
Identifiers: ClinVar variation 4746903 (VCV004746903.1).

ClinVar aggregate classification (germline): Uncertain significance (1 of 4 stars; one submission).

Submission:

Labcorp Genetics (formerly Invitae), Labcorp
Classification: Uncertain significance. Last evaluated: 2025-09-27. Review status: criteria provided, single submitter. Criteria: Invitae Variant Classification Sherloc (09022015). Collection method: clinical testing. Allele origin: germline.
Comment: This sequence change replaces histidine, which is basic and polar, with arginine, which is basic and polar, at codon 239 of the POLE protein (p.His239Arg). This variant is not present in population databases (gnomAD no frequency). This variant has not been reported in the literature in individuals affected with POLE-related conditions. Invitae Evidence Modeling of protein sequence and biophysical properties (such as structural, functional, and spatial information, amino acid conservation, physicochemical variation, residue mobility, and thermodynamic stability) indicates that this missense variant is not expected to disrupt POLE protein function with a negative predictive value of 80%. In summary, the available evidence is currently insufficient to determine the role of this variant in disease. Therefore, it has been classified as a Variant of Uncertain Significance.